The following is an entry in ClinVar:

NM_000545.8(HNF1A):c.498C>A (p.Tyr166Ter)

Gene: HNF1A (HNF1 homeobox A; plus strand). Cytogenetic location: 12q24.31.
Variant type: single nucleotide variant.
Coding change: c.498C>A on transcript NM_000545.8 (MANE Select); coding-DNA position 498, C replaced by A.
Protein change: p.Tyr166Ter; replaces tyrosine 166 with a stop codon.
Molecular consequence: nonsense.
Genome position (GRCh38, 1-based): chr12:120,989,004, C>A. VCF-style: chr12-120989004-C-A. GRCh37 (hg19) VCF-style: chr12-121426807-C-A.
Other names: NM_000545.8(HNF1A):c.498C>A; p.Tyr166Ter; c.498C>A, p.Tyr166Ter (NM_001306179.2, NM_001406915.1); short protein forms Y166*.
Identifiers: ClinVar variation 2746579 (VCV002746579.4), dbSNP rs1876675633, ClinGen allele CA386960572.

ClinVar aggregate classification (germline): Likely pathogenic. Review status: reviewed by expert panel (3 of 4 stars). 2 submissions from 2 submitters: Likely pathogenic (1). 1 of the submissions does not count toward it. Last evaluated 2024-09-19.

Conditions:
Monogenic diabetes. Identifiers: Orphanet 183625, MedGen C3888631, MONDO:0015967.

Submissions (2):

ClinGen Monogenic Diabetes Variant Curation Expert Panel
Classification: Likely pathogenic for Monogenic diabetes. Last evaluated: 2024-09-19. Review status: reviewed by expert panel. Criteria: ClinGen Diabetes ACMG Specifications HNF1A V2.1.0. Collection method: curation. Allele origin: germline. Inheritance: Autosomal dominant inheritance.
Comment: The c.498C>A variant in the HNF1 homeobox A gene, HNF1A, results in a premature termination at codon 166 (p.(Tyr166Ter)) of NM_000545.8. This variant, located in biologically-relevant exon 2 of 10, is predicted to lead to nonsense mediated decay in a gene in which loss-of-function is an established disease mechanism (PVS1; PMID: 23348805). This variant is absent from gnomAD v2.1.1 (PM2_Supporting). This variant was identified in two unrelated individuals with non-autoimmune and non-absolute/near-absolute insulin-deficient diabetes; however, PS4_Moderate cannot be applied because this number is below the ClinGen MDEP threshold (internal lab contributors). This variant segregated with diabetes with one informative meiosis in a single family; however, this does not meet the thresholds for PP1 set by the ClinGen MDEP (PMID: 27236918, internal lab contributors). In summary, c.498C>A meets the criteria to be classified as likely pathogenic for monogenic diabetes. ACMG/AMP criteria applied, as specified by the ClinGen MDEP (specification version 2.1.0, approved 8/11/2023: PVS1, PM2_Supporting.

Labcorp Genetics (formerly Invitae), Labcorp
Classification: Pathogenic. Last evaluated: 2023-07-25. Review status: criteria provided, single submitter. Criteria: Invitae Variant Classification Sherloc (09022015). Collection method: clinical testing. Allele origin: germline. Not counted in ClinVar's aggregate classification.
Comment: For these reasons, this variant has been classified as Pathogenic. Algorithms developed to predict the effect of sequence changes on RNA splicing suggest that this variant may disrupt the consensus splice site. This premature translational stop signal has been observed in individual(s) with maturity-onset diabetes of the young (PMID: 23348805). This variant is not present in population databases (gnomAD no frequency). This sequence change creates a premature translational stop signal (p.Tyr166*) in the HNF1A gene. It is expected to result in an absent or disrupted protein product. Loss-of-function variants in HNF1A are known to be pathogenic (PMID: 15928245, 18003757).

Literature cited by the submitters: PubMed 23348805 (cited by Labcorp Genetics (formerly Invitae), Labcorp); PubMed 15928245 (cited by Labcorp Genetics (formerly Invitae), Labcorp); PubMed 18003757 (cited by Labcorp Genetics (formerly Invitae), Labcorp).